The following is an entry in ClinVar:

ClinVar aggregate classification (germline): Conflicting classifications of pathogenicity. Review status: criteria provided, conflicting classifications (1 of 4 stars). 2 submissions from 2 submitters: Uncertain significance (1); Likely benign (1). Last evaluated 2025-09-01.

Conditions:
Inborn genetic diseases. Identifiers: MedGen C0950123, MeSH D030342.

gnomAD v4.1: 36 of 1,210,376 alleles (0.003%); highest among the groups gnomAD compares: African/African-American, 0.054%; no homozygotes.

Submissions (2):

CeGaT Center for Human Genetics Tuebingen
Classification: Likely benign. Last evaluated: 2025-09-01. Review status: criteria provided, single submitter. Criteria: CeGaT Center For Human Genetics Tuebingen Variant Classification Criteria Version 2. Collection method: clinical testing. Allele origin: germline. Affected: yes. Observed: 1 variant allele.
Comment: GPC4: BS2

Ambry Genetics
Classification: Uncertain significance for Inborn genetic diseases. Last evaluated: 2024-09-03. Review status: criteria provided, single submitter. Criteria: Ambry Variant Classification Scheme 2023. Collection method: clinical testing. Allele origin: germline.

NM_001448.3(GPC4):c.817A>G (p.Ile273Val)

Gene: GPC4 (glypican 4; minus strand). Cytogenetic location: Xq26.2.
Variant type: single nucleotide variant.
Coding change: c.817A>G on transcript NM_001448.3 (MANE Select); coding-DNA position 817, A replaced by G.
Protein change: p.Ile273Val; replaces isoleucine 273 with valine.
Molecular consequence: missense variant.
Genome position (GRCh38, 1-based): chrX:133,311,318, T>C on the plus strand (A>G on the coding strand, the complement: GPC4 is on the minus strand). VCF-style: chrX-133311318-T-C. GRCh37 (hg19) VCF-style: chrX-132445346-T-C.
Other names: short protein forms I273V.
Identifiers: ClinVar variation 3521578 (VCV003521578.8).
Genomic context (GRCh38, chrX:133,311,318, plus strand): 5'-CTATGAAATTGTTCCATTCAAAATCGAGATCCCCTTGGTTGGCCAAACAGCCTCTCATGA[T>C]GTTTGAGCAGTAGTTGTAACATGGCTTCACAGTCACGAGACCCCGGCAGTGGGAGCAGTA-3'
Protein context (NP_001439.2, residues 263-283): VKPCYNYCSN[Ile273Val]MRGCLANQGD